The following is an entry in ClinVar:

NM_006267.5(RANBP2):c.7790T>C (p.Phe2597Ser)

Gene: RANBP2 (RAN binding protein 2; plus strand). Cytogenetic location: 2q13.
Variant type: single nucleotide variant.
Coding change: c.7790T>C on transcript NM_006267.5 (MANE Select); coding-DNA position 7790, T replaced by C.
Protein change: p.Phe2597Ser; replaces phenylalanine 2597 with serine.
Molecular consequence: missense variant.
Genome position (GRCh38, 1-based): chr2:108,768,329, T>C. VCF-style: chr2-108768329-T-C. GRCh37 (hg19) VCF-style: chr2-109384785-T-C.
Other names: short protein forms F2597S.
Identifiers: ClinVar variation 849739 (VCV000849739.12), dbSNP rs2949962, ClinGen allele CA1823657.

ClinVar aggregate classification (germline): Conflicting classifications of pathogenicity. Review status: criteria provided, conflicting classifications (1 of 4 stars). 5 submissions from 5 submitters: Uncertain significance (2); Likely benign (1). 2 of the submissions do not count toward it. Last evaluated 2024-11-22.

Conditions:
Familial acute necrotizing encephalopathy (IIAE3). Also called: ENCEPHALOPATHY, ACUTE, INFECTION-INDUCED, SUSCEPTIBILITY TO, 3; Susceptibility to Acute Necrotizing Encephalopathy 1. Identifiers: Orphanet 88619, MedGen C2675556, MONDO:0011953, OMIM 608033.

Allele frequency attached by ClinVar (database versions not stated): 1000 Genomes Project 30x 0.00016.

Submissions (5):

Blueprint Genetics
Classification: Likely benign. Last evaluated: 2024-11-22. Review status: criteria provided, single submitter. Criteria: ACMG Guidelines, 2015. Collection method: clinical testing. Allele origin: germline.

Labcorp Genetics (formerly Invitae), Labcorp
Classification: Uncertain significance for Familial acute necrotizing encephalopathy. Last evaluated: 2024-10-14. Review status: criteria provided, single submitter. Criteria: Invitae Variant Classification Sherloc (09022015). Collection method: clinical testing. Allele origin: germline.
Comment: This sequence change replaces phenylalanine, which is neutral and non-polar, with serine, which is neutral and polar, at codon 2597 of the RANBP2 protein (p.Phe2597Ser). The frequency data for this variant in the population databases is considered unreliable, as metrics indicate poor data quality at this position in the gnomAD database. This variant has not been reported in the literature in individuals affected with RANBP2-related conditions. ClinVar contains an entry for this variant (Variation ID: 849739). Invitae Evidence Modeling of protein sequence and biophysical properties (such as structural, functional, and spatial information, amino acid conservation, physicochemical variation, residue mobility, and thermodynamic stability) indicates that this missense variant is not expected to disrupt RANBP2 protein function with a negative predictive value of 80%. In summary, the available evidence is currently insufficient to determine the role of this variant in disease. Therefore, it has been classified as a Variant of Uncertain Significance.

Breakthrough Genomics
Classification: Uncertain significance. Review status: criteria provided, single submitter. Criteria: ACMG Guidelines, 2015. Collection method: not provided. Allele origin: germline. Inheritance: Autosomal dominant inheritance. Affected: yes.

Genome Diagnostics Laboratory, University Medical Center Utrecht
Classification: Likely benign. Review status: no assertion criteria provided. Collection method: clinical testing. Allele origin: germline. Affected: yes. Study: VKGL Data-share Consensus. Not counted in ClinVar's aggregate classification.

Laboratory of Diagnostic Genome Analysis, Leiden University Medical Center (LUMC)
Classification: Likely benign. Review status: no assertion criteria provided. Collection method: clinical testing. Allele origin: germline. Affected: yes. Study: VKGL Data-share Consensus. Not counted in ClinVar's aggregate classification.